The following is an entry in ClinVar:

NM_000489.6(ATRX):c.5167delinsGAAGGC (p.Ile1723fs)

Gene: ATRX (ATRX chromatin remodeler; minus strand). Cytogenetic location: Xq21.1.
Variant type: Indel.
Coding change: c.5167delinsGAAGGC on transcript NM_000489.6 (MANE Select); coding-DNA position 5167, A replaced by GAAGGC.
Protein change: p.Ile1723fs; shifts the reading frame from isoleucine 1723.
Molecular consequence: frameshift variant.
Genome position (GRCh38, 1-based): chrX:77,620,500, T replaced by GCCTTC on the plus strand (A replaced by GAAGGC on the coding strand, the reverse complement: ATRX is on the minus strand). VCF-style: chrX-77620500-T-GCCTTC. GRCh37 (hg19) VCF-style: chrX-76875968-T-GCCTTC.
Other names: c.5053delinsGAAGGC, p.Ile1685fs (NM_138270.5); short protein forms I1685fs, I1723fs.
Identifiers: ClinVar variation 133646 (VCV000133646.1), dbSNP rs587778083, ClinGen allele CA157217.
Genomic context (GRCh38, chrX:77,620,500, plus strand): 5'-TCCTCCTTGATCGTATAGAATTCATAGCTTTAGAAACAGCAGATGCTTCATTTTTTAGAA[T>GCCTTC]ATGGCCTTCATCACAAACAACAAAATCAGGGCCTACAAAAATAAACAGAAAAATAACACA-3'

ClinVar aggregate classification (germline): not provided (0 of 4 stars; one submission).

Submission:

ITMI
No classification provided. Condition: AllHighlyPenetrant. Last evaluated: 2013-09-19. Review status: no classification provided. Collection method: reference population. Allele origin: germline.
Comment: Please see associated publication for description of ethnicities

Literature cited by the submitters: PubMed 24728327.